The following is an entry in ClinVar:

NM_000181.4(GUSB):c.406G>A (p.Gly136Arg)

Gene: GUSB (glucuronidase beta; minus strand). Cytogenetic location: 7q11.21.
Variant type: single nucleotide variant.
Coding change: c.406G>A on transcript NM_000181.4 (MANE Select); coding-DNA position 406, G replaced by A.
Protein change: p.Gly136Arg; replaces glycine 136 with arginine.
Molecular consequence: missense variant. On other transcripts: non-coding transcript variant (1), intron variant (2).
Genome position (GRCh38, 1-based): chr7:65,979,902, C>T on the plus strand (G>A on the coding strand, the complement: GUSB is on the minus strand). VCF-style: chr7-65979902-C-T. GRCh37 (hg19) VCF-style: chr7-65444889-C-T.
Other names: c.406G>A, p.Gly136Arg (NM_001284290.2); c.67+322G>A (NM_001293105.2); c.11+322G>A (NM_001293104.2); short protein forms G136R.
Identifiers: ClinVar variation 1878273 (VCV001878273.1), dbSNP rs1417426295, ClinGen allele CA367651060.
Genomic context (GRCh38, chr7:65,979,902, plus strand): 5'-GGTTGCTGATGTCGGCCTCGAAGGGGAGGTAGCCCCCCTCATGCTCTAGCGTGTCGACCC[C>T]ATTCACCCACTGCAGACACAGGAGATACGGGGAGGGGGCTGCAGGTCAGGGCATGAGGAG-3'
Protein context (NP_000172.2, residues 126-146): AHSYAIVWVN[Gly136Arg]VDTLEHEGGY

ClinVar aggregate classification (germline): Likely pathogenic (1 of 4 stars; one submission).

Conditions:
Mucopolysaccharidosis type 7 (MPS7). Also called: MPS VII; GUSB DEFICIENCY; SLY SYNDROME; BETA-GLUCURONIDASE DEFICIENCY. Identifiers: Orphanet 584, MedGen C0085132, MONDO:0009662, OMIM 253220.

Allele frequency attached by ClinVar (database versions not stated): gnomAD exomes below 0.00001; gnomAD 0.00001.
gnomAD v4.1: 4 of 1,598,346 alleles (0.00025%); highest among the groups gnomAD compares: African/African-American, 0.004%; no homozygotes.

Submission:

Women's Health and Genetics/Laboratory Corporation of America, LabCorp
Classification: Likely pathogenic for Mucopolysaccharidosis type 7. Last evaluated: 2022-12-02. Review status: criteria provided, single submitter. Criteria: LabCorp Variant Classification Summary - May 2015. Collection method: clinical testing. Allele origin: germline.
Comment: Variant summary: GUSB c.406G>A (p.Gly136Arg) results in a non-conservative amino acid change located in the Glycosyl hydrolases family 2, sugar binding domain (IPR006104) of the encoded protein sequence. Five of five in-silico tools predict a damaging effect of the variant on protein function. The variant allele was found at a frequency of 4.5e-06 in 222014 control chromosomes. c.406G>A has been reported in the literature as a presumed homozygous genotype in at-least one individual affected with Mucopolysaccharidosis Type VII (Sly Syndrome) (example, Vervoort_1996, subsequently cited by Tomatsu_2009, Khan_2016). These data do not allow any conclusion about variant significance. At least one publication reports experimental evidence evaluating an impact on protein function (Vervoort_1996). The most pronounced variant effect results in <1% of normal beta-glucuronidase enzyme activity in vitro. No clinical diagnostic laboratories have submitted clinical-significance assessments for this variant to ClinVar after 2014. Based on the evidence outlined above, the variant was classified as likely pathogenic.

Literature cited by the submitters: PubMed 19224584; PubMed 26415878; PubMed 8644704.